The following is an entry in ClinVar:

NC_000022.11:g.40345566G>T

Gene: ADSL (adenylosuccinate lyase; plus strand). Cytogenetic location: 22q13.1.
Variant type: single nucleotide variant.
Genome position: GRCh38 VCF-style: chr22-40345566-G-T. GRCh37 (hg19) VCF-style: chr22-40741570-G-T.
Identifiers: ClinVar variation 1488282 (VCV001488282.6), dbSNP rs2146607321, ClinGen allele CA2573158328.

ClinVar aggregate classification (germline): Uncertain significance (1 of 4 stars; one submission).

Conditions:
Adenylosuccinate lyase deficiency (ADSLD). Also called: ADSL DEFICIENCY. Identifiers: Orphanet 46, MedGen C0268126, MONDO:0007068, OMIM 103050.

Submission:

Labcorp Genetics (formerly Invitae), Labcorp
Classification: Uncertain significance for Adenylosuccinate lyase deficiency. Last evaluated: 2021-05-03. Review status: criteria provided, single submitter. Criteria: Invitae Variant Classification Sherloc (09022015). Collection method: clinical testing. Allele origin: germline.
Comment: This variant occurs in a non-coding region of the ADSL gene. It does not change the encoded amino acid sequence of the ADSL protein. The frequency data for this variant in the population databases is considered unreliable, as metrics indicate insufficient coverage at this position in the ExAC database. This variant has not been reported in the literature in individuals with ADSL-related conditions. Experimental studies and prediction algorithms are not available or were not evaluated, and the functional significance of this variant is currently unknown. In summary, the available evidence is currently insufficient to determine the role of this variant in disease. Therefore, it has been classified as a Variant of Uncertain Significance.